The following is an entry in ClinVar:

ClinVar aggregate classification (germline): Uncertain significance (1 of 4 stars; one submission).

Allele frequency attached by ClinVar (database versions not stated): ExAC 0.00002; gnomAD 0.00002; TOPMed 0.00002.
gnomAD v4.1: 12 of 1,613,676 alleles (0.00074%); highest among the groups gnomAD compares: Admixed American, 0.005%; no homozygotes.

Submission:

Ambry Genetics
Classification: Uncertain significance. Last evaluated: 2019-12-04. Review status: criteria provided, single submitter. Criteria: Ambry Variant Classification Scheme 2023. Collection method: clinical testing. Allele origin: germline.
Comment: The p.R625C variant (also known as c.1873C>T), located in coding exon 13 of the FBXO38 gene, results from a C to T substitution at nucleotide position 1873. The arginine at codon 625 is replaced by cysteine, an amino acid with highly dissimilar properties. This amino acid position is well conserved in available vertebrate species. In addition, this alteration is predicted to be tolerated by in silico analysis. Since supporting evidence is limited at this time, the clinical significance of this alteration remains unclear.

NM_205836.3(FBXO38):c.1873C>T (p.Arg625Cys)

Gene: FBXO38 (F-box protein 38; plus strand). Cytogenetic location: 5q32.
Variant type: single nucleotide variant.
Coding change: c.1873C>T on transcript NM_205836.3 (MANE Select); coding-DNA position 1873, C replaced by T.
Protein change: p.Arg625Cys; replaces arginine 625 with cysteine.
Molecular consequence: missense variant.
Genome position (GRCh38, 1-based): chr5:148,425,656, C>T. VCF-style: chr5-148425656-C-T. GRCh37 (hg19) VCF-style: chr5-147805219-C-T.
Other names: c.1873C>T, p.Arg625Cys (NM_001271723.2, NM_030793.5); short protein forms R625C.
Identifiers: ClinVar variation 1781731 (VCV001781731.2), dbSNP rs752661132, ClinGen allele CA3497402.